The following is an entry in ClinVar:

NM_003412.4(ZIC1):c.1092C>A (p.Cys364Ter)

Gene: ZIC1 (Zic family zinc finger 1; plus strand). Cytogenetic location: 3q24.
Variant type: single nucleotide variant.
Coding change: c.1092C>A on transcript NM_003412.4 (MANE Select); coding-DNA position 1092, C replaced by A.
Protein change: p.Cys364Ter; replaces cysteine 364 with a stop codon.
Molecular consequence: nonsense.
Genome position (GRCh38, 1-based): chr3:147,412,627, C>A. VCF-style: chr3-147412627-C-A. GRCh37 (hg19) VCF-style: chr3-147130414-C-A.
Other names: short protein forms C364*.
Identifiers: ClinVar variation 420783 (VCV000420783.7), dbSNP rs1064794698, ClinGen allele CA16617834.

ClinVar aggregate classification (germline): Conflicting classifications of pathogenicity. Review status: criteria provided, conflicting classifications (1 of 4 stars). 2 submissions from 2 submitters: Likely pathogenic (1); Uncertain significance (1). Last evaluated 2024-11-11.

Submissions (2):

Labcorp Genetics (formerly Invitae), Labcorp
Classification: Uncertain significance. Last evaluated: 2024-11-11. Review status: criteria provided, single submitter. Criteria: Invitae Variant Classification Sherloc (09022015). Collection method: clinical testing. Allele origin: germline.
Comment: This sequence change creates a premature translational stop signal (p.Cys364*) in the ZIC1 gene. It is expected to result in an absent or disrupted protein product. However, the current clinical and genetic evidence is not sufficient to establish whether loss-of-function variants in ZIC1 cause disease. This variant is not present in population databases (gnomAD no frequency). This variant has not been reported in the literature in individuals affected with ZIC1-related conditions. ClinVar contains an entry for this variant (Variation ID: 420783). In summary, the available evidence is currently insufficient to determine the role of this variant in disease. Therefore, it has been classified as a Variant of Uncertain Significance.

GeneDx
Classification: Likely pathogenic. Last evaluated: 2016-04-06. Review status: criteria provided, single submitter. Criteria: GeneDx Variant Classification (06012015). Collection method: clinical testing. Allele origin: germline. Affected: yes.
Comment: The C364X variant in the ZIC1 gene has not been reported previously as a pathogenic variant nor as a benign variant, to our knowledge. This variant is predicted to cause loss of normal protein function through protein truncation. The C364X variant was not observed in approximately 6500 individuals of European and African American ancestry in the NHLBI Exome Sequencing Project, indicating it is not a common benign variant in these populations. The C364X variant is a strong candidate for a pathogenic variant.